The following is an entry in ClinVar:

ClinVar aggregate classification (germline): Uncertain significance. Review status: criteria provided, multiple submitters, no conflicts (2 of 4 stars). 2 submissions from 2 submitters: Uncertain significance (2). Last evaluated 2021-07-13.

Submissions (2):

Labcorp Genetics (formerly Invitae), Labcorp
Classification: Uncertain significance. Last evaluated: 2021-07-13. Review status: criteria provided, single submitter. Criteria: Invitae Variant Classification Sherloc (09022015). Collection method: clinical testing. Allele origin: germline.
Comment: This variant is present in population databases (rs558295858, ExAC 0.005%). In summary, the available evidence is currently insufficient to determine the role of this variant in disease. Therefore, it has been classified as a Variant of Uncertain Significance. Algorithms developed to predict the effect of missense changes on protein structure and function (SIFT, PolyPhen-2, Align-GVGD) all suggest that this variant is likely to be disruptive, but these predictions have not been confirmed by published functional studies and their clinical significance is uncertain. This variant has not been reported in the literature in individuals with KCNV2-related conditions. This sequence change replaces isoleucine with serine at codon 216 of the KCNV2 protein (p.Ile216Ser). The isoleucine residue is moderately conserved and there is a large physicochemical difference between isoleucine and serine.

Blueprint Genetics
Classification: Uncertain significance. Last evaluated: 2017-11-29. Review status: criteria provided, single submitter. Criteria: ACMG Guidelines, 2015. Collection method: clinical testing. Allele origin: germline.

NM_133497.4(KCNV2):c.647T>G (p.Ile216Ser)

Gene: KCNV2 (potassium voltage-gated channel modifier subfamily V member 2; plus strand). Cytogenetic location: 9p24.2.
Variant type: single nucleotide variant.
Coding change: c.647T>G on transcript NM_133497.4 (MANE Select); coding-DNA position 647, T replaced by G.
Protein change: p.Ile216Ser; replaces isoleucine 216 with serine.
Molecular consequence: missense variant.
Genome position (GRCh38, 1-based): chr9:2,718,386, T>G. VCF-style: chr9-2718386-T-G. GRCh37 (hg19) VCF-style: chr9-2718386-T-G.
Other names: short protein forms I216S.
Identifiers: ClinVar variation 1016663 (VCV001016663.8), dbSNP rs558295858, ClinGen allele CA4965556.
Genomic context (GRCh38, chr9:2,718,386, plus strand): 5'-CACGCTGCTGCCGCATCTGCTTCGAGGAGCGGCGCGACGAGCTGAGCGAACGGCTCAAGA[T>G]CCAGCACGAGCTGCGCGCGCAGGCGCAGGTCGAGGAGGCGGAGGAACTCTTCCGCGACAT-3'
Protein context (NP_598004.1, residues 206-226): RRDELSERLK[Ile216Ser]QHELRAQAQV